The following is an entry in ClinVar:

NM_001113491.2(SEPTIN9):c.409G>T (p.Val137Leu)

Gene: SEPTIN9 (septin 9; plus strand). Cytogenetic location: 17q25.3.
Variant type: single nucleotide variant.
Coding change: c.409G>T on transcript NM_001113491.2 (MANE Select); coding-DNA position 409, G replaced by T.
Protein change: p.Val137Leu; replaces valine 137 with leucine.
Molecular consequence: missense variant. On other transcripts: 5 prime UTR variant (2).
Genome position (GRCh38, 1-based): chr17:77,402,391, G>T. VCF-style: chr17-77402391-G-T. GRCh37 (hg19) VCF-style: chr17-75398473-G-T.
Other names: c.-84G>T (NM_001113492.2, NM_001113494.1); c.388G>T, p.Val130Leu (NM_001113493.2); c.352G>T, p.Val118Leu (NM_001293695.2); c.355G>T, p.Val119Leu (NM_006640.5); c.355G>T (NM_006640.4); short protein forms V118L, V119L, V130L, V137L.
Identifiers: ClinVar variation 2629750 (VCV002629750.2), dbSNP rs2509884644, ClinGen allele CA401206107.

ClinVar aggregate classification (germline): Uncertain significance. Review status: criteria provided, multiple submitters, no conflicts (2 of 4 stars). 2 submissions from 2 submitters: Uncertain significance (2). Last evaluated 2024-08-28.

Conditions:
Inborn genetic diseases. Identifiers: MedGen C0950123, MeSH D030342.
SEPTIN9-related disorder. Also called: SEPTIN9-related condition.

gnomAD v4.1: 1 of 1,611,814 alleles (0.000062%); highest among the groups gnomAD compares: Non-Finnish European, 0.000085%; no homozygotes.

Submissions (2):

Ambry Genetics
Classification: Uncertain significance for Inborn genetic diseases. Last evaluated: 2024-08-28. Review status: criteria provided, single submitter. Criteria: Ambry Variant Classification Scheme 2023. Collection method: clinical testing. Allele origin: germline.

PreventionGenetics, part of Exact Sciences
Classification: Uncertain significance for SEPTIN9-related condition. Last evaluated: 2023-01-12. Review status: criteria provided, single submitter. Criteria: ACMG Guidelines, 2015. Collection method: clinical testing. Allele origin: germline.
Comment: The SEPTIN9 c.409G>T variant is predicted to result in the amino acid substitution p.Val137Leu. To our knowledge, this variant has not been reported in the literature or in a large population database, indicating this variant is rare. At this time, the clinical significance of this variant is uncertain due to the absence of conclusive functional and genetic evidence.